The following is an entry in ClinVar:

NM_001039574.3(KCNC4):c.1734C>A (p.Thr578=)

Gene: KCNC4 (potassium voltage-gated channel subfamily C member 4; plus strand). Cytogenetic location: 1p13.3.
Variant type: single nucleotide variant.
Coding change: c.1734C>A on transcript NM_001039574.3 (MANE Select); coding-DNA position 1734, C replaced by A.
Protein change: p.Thr578=; no amino-acid change (threonine 578 retained).
Molecular consequence: synonymous variant. On other transcripts: missense variant (1), non-coding transcript variant (1).
Genome position (GRCh38, 1-based): chr1:110,226,093, C>A. VCF-style: chr1-110226093-C-A. GRCh37 (hg19) VCF-style: chr1-110768715-C-A.
Other names: c.1734C>A, p.Thr578= (NM_001377330.1, NM_004978.6); c.797C>A, p.Pro266Gln (NM_001377331.1); short protein forms P266Q.
Identifiers: ClinVar variation 3067261 (VCV003067261.21), dbSNP rs34480599, ClinGen allele CA998786.
Genomic context (GRCh38, chr1:110,226,093, plus strand): 5'-CACCCAACCCCTGGCCTCCTCCCCGACCCCCGAGGAGCGCCGGGCCCTGCGACGCTCCAC[C>A]ACTCGAGACAGAAACAAGAAGGCAGCTGCCTGCTTCCTGCTCAGCACTGGGGACTATGCC-3'
Protein context (NP_001034663.1, residues 568-588): PEERRALRRS[Thr578=]TRDRNKKAAA

ClinVar aggregate classification (germline): Likely benign (1 of 4 stars; one submission).

Allele frequency attached by ClinVar (database versions not stated): ESP Exome Variant Server 0.00038; gnomAD exomes 0.00058; gnomAD 0.00066; ExAC 0.00079; TOPMed 0.00095.
gnomAD v4.1: 994 of 1,614,168 alleles (0.062%); highest among the groups gnomAD compares: Middle Eastern, 0.54%; 3 homozygotes.

Submission:

CeGaT Center for Human Genetics Tuebingen
Classification: Likely benign. Last evaluated: 2024-03-01. Review status: criteria provided, single submitter. Criteria: CeGaT Center For Human Genetics Tuebingen Variant Classification Criteria Version 2. Collection method: clinical testing. Allele origin: germline. Affected: yes. Observed: 1 variant allele.
Comment: KCNC4: BP4, BS2